The following is an entry in ClinVar:

ClinVar aggregate classification (germline): Likely benign. Review status: criteria provided, multiple submitters, no conflicts (2 of 4 stars). 3 submissions from 3 submitters: Likely benign (3). Last evaluated 2025-02-25.

Conditions:
Hereditary cancer-predisposing syndrome. Also called: Tumor predisposition; Neoplastic Syndromes, Hereditary; Hereditary Cancer Syndrome; Hereditary neoplastic syndrome. Identifiers: Orphanet 140162, MedGen C0027672, MeSH D009386, MONDO:0015356.
Lynch syndrome 5 (LYNCH5). Also called: Hereditary non-polyposis colorectal cancer, type 5; Colorectal cancer, hereditary nonpolyposis, type 5. Identifiers: Orphanet 144, MedGen C1833477, MONDO:0013710, OMIM 614350. Disease mechanism: loss of function.
Hereditary nonpolyposis colorectal neoplasms. Identifiers: MedGen C0009405, MeSH D003123.

Allele frequency attached by ClinVar (database versions not stated): ExAC below 0.00001; gnomAD exomes below 0.00001; TOPMed below 0.00001.

Submissions (3):

Labcorp Genetics (formerly Invitae), Labcorp
Classification: Likely benign for Hereditary nonpolyposis colorectal neoplasms. Last evaluated: 2025-02-25. Review status: criteria provided, single submitter. Criteria: Invitae Variant Classification Sherloc (09022015). Collection method: clinical testing. Allele origin: germline.

Myriad Genetics, Inc.
Classification: Likely benign for Lynch syndrome 5. Last evaluated: 2024-12-17. Review status: criteria provided, single submitter. Criteria: Myriad Autosomal Dominant, Autosomal Recessive and X-Linked Classification Criteria (2023). Collection method: clinical testing. Allele origin: unknown.
Comment: This variant is considered likely benign. This variant is intronic and is not expected to impact mRNA splicing.

Color Diagnostics, LLC DBA Color Health
Classification: Likely benign for Hereditary cancer-predisposing syndrome. Last evaluated: 2019-06-25. Review status: criteria provided, single submitter. Criteria: ACMG Guidelines, 2015. Collection method: clinical testing. Allele origin: germline.

NM_000179.3(MSH6):c.260+9G>T

Genes: MSH6 (mutS homolog 6; plus strand), LOC129933707 (ATAC-STARR-seq lymphoblastoid silent region 11468; plus strand). Cytogenetic location: 2p16.3.
Variant type: single nucleotide variant.
Coding change: c.260+9G>T on transcript NM_000179.3 (MANE Select); 9 bases into the intron after coding-DNA position 260, G replaced by T.
Molecular consequence: intron variant.
Genome position (GRCh38, 1-based): chr2:47,783,502, G>T. VCF-style: chr2-47783502-G-T. GRCh37 (hg19) VCF-style: chr2-48010641-G-T.
Other names: c.-477+9G>T (NM_001281493.2); c.237+32G>T (NM_001281492.2).
Identifiers: ClinVar variation 799126 (VCV000799126.13), dbSNP rs748241865, ClinGen allele CA069294.